The following is an entry in ClinVar:

ClinVar aggregate classification (germline): Uncertain significance. Review status: criteria provided, multiple submitters, no conflicts (2 of 4 stars). 3 submissions from 3 submitters: Uncertain significance (3). Last evaluated 2025-07-02.

Conditions:
Inborn genetic diseases. Identifiers: MedGen C0950123, MeSH D030342.
T-cell immunodeficiency, congenital alopecia, and nail dystrophy. Also called: Congenital alopecia and nail dystrophy associated with severe functional T-cell immunodeficiency; Pignata Guarino syndrome. Identifiers: Orphanet 169095, MedGen C1866426, MONDO:0011132, OMIM 601705.

Allele frequency attached by ClinVar (database versions not stated): TOPMed 0.00001; gnomAD 0.00002 and 0.00003; ExAC 0.00006; gnomAD exomes 0.00006 and 0.00008.

Submissions (3):

Ambry Genetics
Classification: Uncertain significance for Inborn genetic diseases. Last evaluated: 2025-07-02. Review status: criteria provided, single submitter. Criteria: Ambry Variant Classification Scheme 2023. Collection method: clinical testing. Allele origin: germline.

Blueprint Genetics
Classification: Uncertain significance. Last evaluated: 2022-12-28. Review status: criteria provided, single submitter. Criteria: ACMG Guidelines, 2015. Collection method: clinical testing. Allele origin: germline.

Labcorp Genetics (formerly Invitae), Labcorp
Classification: Uncertain significance for T-cell immunodeficiency, congenital alopecia, and nail dystrophy. Last evaluated: 2022-10-25. Review status: criteria provided, single submitter. Criteria: Invitae Variant Classification Sherloc (09022015). Collection method: clinical testing. Allele origin: germline.
Comment: This sequence change replaces arginine, which is basic and polar, with tryptophan, which is neutral and slightly polar, at codon 411 of the FOXN1 protein (p.Arg411Trp). This variant is present in population databases (rs2286520, gnomAD 0.07%). This variant has not been reported in the literature in individuals affected with FOXN1-related conditions. ClinVar contains an entry for this variant (Variation ID: 933402). Advanced modeling of protein sequence and biophysical properties (such as structural, functional, and spatial information, amino acid conservation, physicochemical variation, residue mobility, and thermodynamic stability) performed at Invitae indicates that this missense variant is not expected to disrupt FOXN1 protein function. In summary, the available evidence is currently insufficient to determine the role of this variant in disease. Therefore, it has been classified as a Variant of Uncertain Significance.

NM_001369369.1(FOXN1):c.1231C>T (p.Arg411Trp)

Gene: FOXN1 (forkhead box N1; plus strand). Cytogenetic location: 17q11.2.
Variant type: single nucleotide variant.
Coding change: c.1231C>T on transcript NM_001369369.1 (MANE Select); coding-DNA position 1231, C replaced by T.
Protein change: p.Arg411Trp; replaces arginine 411 with tryptophan.
Molecular consequence: missense variant.
Genome position (GRCh38, 1-based): chr17:28,534,802, C>T. VCF-style: chr17-28534802-C-T. GRCh37 (hg19) VCF-style: chr17-26861820-C-T.
Other names: c.1231C>T, p.Arg411Trp (NM_003593.3); short protein forms R411W.
Identifiers: ClinVar variation 933402 (VCV000933402.7), dbSNP rs2286520, ClinGen allele CA8459478.